The following is an entry in ClinVar:

ClinVar aggregate classification (germline): Uncertain significance. Review status: criteria provided, multiple submitters, no conflicts (2 of 4 stars). 2 submissions from 2 submitters: Uncertain significance (2). Last evaluated 2024-07-30.

Allele frequency attached by ClinVar (database versions not stated): gnomAD exomes below 0.00001; TOPMed below 0.00001.
gnomAD v4.1: 3 of 1,211,156 alleles (0.00025%); highest among the groups gnomAD compares: Non-Finnish European, 0.00034%; no homozygotes.

Submissions (2):

Ambry Genetics
Classification: Uncertain significance. Last evaluated: 2024-07-30. Review status: criteria provided, single submitter. Criteria: Ambry Variant Classification Scheme 2023. Collection method: clinical testing. Allele origin: germline.

CeGaT Center for Human Genetics Tuebingen
Classification: Uncertain significance. Last evaluated: 2024-05-01. Review status: criteria provided, single submitter. Criteria: CeGaT Center For Human Genetics Tuebingen Variant Classification Criteria Version 2. Collection method: clinical testing. Allele origin: germline. Affected: yes. Observed: 1 variant allele.
Comment: FMR1NB: PM2, BP4

NM_152578.3(FMR1NB):c.723G>A (p.Met241Ile)

Gene: FMR1NB (FMR1 neighbor; plus strand). Cytogenetic location: Xq28.
Variant type: single nucleotide variant.
Coding change: c.723G>A on transcript NM_152578.3 (MANE Select); coding-DNA position 723, G replaced by A.
Protein change: p.Met241Ile; replaces methionine 241 with isoleucine.
Molecular consequence: missense variant.
Genome position (GRCh38, 1-based): chrX:148,024,955, G>A. VCF-style: chrX-148024955-G-A. GRCh37 (hg19) VCF-style: chrX-147106475-G-A.
Other names: c.723G>A (NM_152578.2); short protein forms M241I.
Identifiers: ClinVar variation 3239483 (VCV003239483.20), dbSNP rs1557190891.